The following is an entry in ClinVar:

NM_002332.3(LRP1):c.6964C>T (p.Arg2322Cys)

Gene: LRP1 (LDL receptor related protein 1; plus strand). Cytogenetic location: 12q13.3.
Variant type: single nucleotide variant.
Coding change: c.6964C>T on transcript NM_002332.3 (MANE Select); coding-DNA position 6964, C replaced by T.
Protein change: p.Arg2322Cys; replaces arginine 2322 with cysteine.
Molecular consequence: missense variant.
Genome position (GRCh38, 1-based): chr12:57,187,389, C>T. VCF-style: chr12-57187389-C-T. GRCh37 (hg19) VCF-style: chr12-57581172-C-T.
Other names: short protein forms R2322C.
Identifiers: ClinVar variation 3771481 (VCV003771481.13).

ClinVar aggregate classification (germline): Uncertain significance (1 of 4 stars; one submission).

gnomAD v4.1: 12 of 1,614,172 alleles (0.00074%); highest among the groups gnomAD compares: African/African-American, 0.0027%; no homozygotes.

Submission:

CeGaT Center for Human Genetics Tuebingen
Classification: Uncertain significance. Last evaluated: 2025-02-01. Review status: criteria provided, single submitter. Criteria: CeGaT Center For Human Genetics Tuebingen Variant Classification Criteria Version 2. Collection method: clinical testing. Allele origin: germline. Affected: yes. Observed: 1 variant allele.
Comment: LRP1: PM2, PP3